The following is an entry in ClinVar:

NM_001987.5(ETV6):c.17C>A (p.Ala6Asp)

Gene: ETV6 (ETS variant transcription factor 6; plus strand). Cytogenetic location: 12p13.2.
Variant type: single nucleotide variant.
Coding change: c.17C>A on transcript NM_001987.5 (MANE Select); coding-DNA position 17, C replaced by A.
Protein change: p.Ala6Asp; replaces alanine 6 with aspartic acid.
Molecular consequence: missense variant. On other transcripts: 5 prime UTR variant (2).
Genome position (GRCh38, 1-based): chr12:11,650,144, C>A. VCF-style: chr12-11650144-C-A. GRCh37 (hg19) VCF-style: chr12-11803078-C-A.
Other names: c.17C>A, p.Ala6Asp (NM_001413913.1, NM_001413916.1, NM_001413917.1 and 1 more transcripts); c.-136C>A (NM_001413914.1); c.-118C>A (NM_001413915.1); short protein forms A6D.
Identifiers: ClinVar variation 2987092 (VCV002987092.4), dbSNP rs1863862591, ClinGen allele CA384041922.

ClinVar aggregate classification (germline): Conflicting classifications of pathogenicity. Review status: criteria provided, conflicting classifications (1 of 4 stars). 2 submissions from 2 submitters: Uncertain significance (1); Likely benign (1). Last evaluated 2025-03-19.

Conditions:
Inborn genetic diseases. Identifiers: MedGen C0950123, MeSH D030342.

Allele frequency attached by ClinVar (database versions not stated): gnomAD exomes below 0.00001.
gnomAD v4.1: 1 of 1,613,730 alleles (0.000062%); highest among the groups gnomAD compares: Admixed American, 0.0017%; no homozygotes.

Submissions (2):

Ambry Genetics
Classification: Likely benign for Inborn genetic diseases. Last evaluated: 2025-03-19. Review status: criteria provided, single submitter. Criteria: Ambry Variant Classification Scheme 2023. Collection method: clinical testing. Allele origin: germline.

Labcorp Genetics (formerly Invitae), Labcorp
Classification: Uncertain significance. Last evaluated: 2022-11-28. Review status: criteria provided, single submitter. Criteria: Invitae Variant Classification Sherloc (09022015). Collection method: clinical testing. Allele origin: germline.
Comment: In summary, the available evidence is currently insufficient to determine the role of this variant in disease. Therefore, it has been classified as a Variant of Uncertain Significance. Algorithms developed to predict the effect of missense changes on protein structure and function (SIFT, PolyPhen-2, Align-GVGD) all suggest that this variant is likely to be tolerated. This variant has not been reported in the literature in individuals affected with ETV6-related conditions. This variant is not present in population databases (gnomAD no frequency). This sequence change replaces alanine, which is neutral and non-polar, with aspartic acid, which is acidic and polar, at codon 6 of the ETV6 protein (p.Ala6Asp).